The following is an entry in ClinVar:

ClinVar aggregate classification (germline): Conflicting classifications of pathogenicity. Review status: criteria provided, conflicting classifications (1 of 4 stars). 4 submissions from 4 submitters: Uncertain significance (3); Likely benign (1). Last evaluated 2025-04-09.

Conditions:
Cardiovascular phenotype. Identifiers: MedGen CN230736.
Autosomal recessive limb-girdle muscular dystrophy type 2J (LGMDR10). Also called: Limb-girdle muscular dystrophy, type 2J; MUSCULAR DYSTROPHY, LIMB-GIRDLE, AUTOSOMAL RECESSIVE 10. Identifiers: Orphanet 140922, MedGen C1837342, MONDO:0012127, OMIM 608807.
Dilated cardiomyopathy 1G (CMD1G). Identifiers: Orphanet 154, MedGen C1858763, MONDO:0011400, OMIM 604145.

Allele frequency attached by ClinVar (database versions not stated): TOPMed 0.00001; gnomAD exomes 0.00006; ExAC 0.00008; gnomAD 0.00013 and 0.00014.
gnomAD v4.1: 112 of 1,613,298 alleles (0.0069%); highest among the groups gnomAD compares: Admixed American, 0.0067%; no homozygotes.

Submissions (4):

Molecular Diagnostic Laboratory for Inherited Cardiovascular Disease, Montreal Heart Institute
Classification: Likely benign. Last evaluated: 2025-04-09. Review status: criteria provided, single submitter. Criteria: ACMG Guidelines, 2015. Collection method: clinical testing. Allele origin: germline. Affected: no.

Women's Health and Genetics/Laboratory Corporation of America, LabCorp
Classification: Uncertain significance. Last evaluated: 2025-03-06. Review status: criteria provided, single submitter. Criteria: LabCorp Variant Classification Summary - May 2015. Collection method: clinical testing. Allele origin: germline.
Comment: Variant summary: TTN c.73813C>G (p.Pro24605Ala) results in a non-conservative amino acid change in the encoded protein sequence. Three of four in-silico tools predict a damaging effect of the variant on protein function. The variant allele was found at a frequency of 6e-05 in 248266 control chromosomes. This frequency is not significantly higher than estimated for a pathogenic variant in TTN causing Autosomal Recessive Titinopathy (6e-05 vs 0.00039), allowing no conclusion about variant significance. To our knowledge, no occurrence of c.73813C>G in individuals affected with Autosomal Recessive Titinopathy and no experimental evidence demonstrating its impact on protein function have been reported. ClinVar contains an entry for this variant (Variation ID: 467536). Based on the evidence outlined above, the variant was classified as uncertain significance.

Labcorp Genetics (formerly Invitae), Labcorp
Classification: Uncertain significance for Dilated cardiomyopathy 1G; Autosomal recessive limb-girdle muscular dystrophy type 2J. Last evaluated: 2017-07-20. Review status: criteria provided, single submitter. Criteria: Invitae Variant Classification Sherloc (09022015). Collection method: clinical testing. Allele origin: germline.

Ambry Genetics
Classification: Uncertain significance for Cardiovascular phenotype. Last evaluated: 2016-02-24. Review status: criteria provided, single submitter. Criteria: Ambry Variant Classification Scheme 2023. Collection method: clinical testing. Allele origin: germline.
Comment: The p.P18108A variant (also known as c.54322C>G), located in coding exon 153 of the TTN gene, results from a C to G substitution at nucleotide position 54322. The proline at codon 18108 is replaced by alanine, an amino acid with highly similar properties. Based on data from ExAC, the G allele has an overall frequency of approximately 0.008% (9/119946). The highest observed frequency was 0.03% (2/6550) of European (Finnish) alleles (Exome Aggregation Consortium (ExAC), Cambridge, MA (URL) [Accessed February 24, 2016]). This variant was not reported in population based cohorts in the following databases: Database of Single Nucleotide Polymorphisms (dbSNP), NHLBI Exome Sequencing Project (ESP), and 1000 Genomes Project. In the ESP, this variant was not observed in 6090 samples (12180 alleles) with coverage at this position. This amino acid position is highly conserved in available vertebrate species. In addition, this alteration is predicted to be tolerated by in silico analysis. Since supporting evidence is limited at this time, the clinical significance of this variant remains unclear.

NM_001267550.2(TTN):c.81517C>G (p.Pro27173Ala)

Genes: TTN (titin; minus strand), TTN-AS1 (TTN antisense RNA 1; plus strand). Cytogenetic location: 2q31.2.
Variant type: single nucleotide variant.
Coding change: c.81517C>G on transcript NM_001267550.2 (MANE Select); coding-DNA position 81517, C replaced by G.
Protein change: p.Pro27173Ala; replaces proline 27173 with alanine.
Molecular consequence: missense variant.
Genome position (GRCh38, 1-based): chr2:178,564,615, G>C on the plus strand (C>G on the coding strand, the complement: TTN is on the minus strand). VCF-style: chr2-178564615-G-C. GRCh37 (hg19) VCF-style: chr2-179429342-G-C.
Other names: c.73813C>G, p.Pro24605Ala (NM_133378.4); c.76594C>G, p.Pro25532Ala (NM_001256850.1); c.54322C>G, p.Pro18108Ala (NM_003319.4); c.54697C>G, p.Pro18233Ala (NM_133432.3); c.54898C>G, p.Pro18300Ala (NM_133437.4); short protein forms P27173A, P18108A, P18233A, P18300A, P25532A, P24605A.
Identifiers: ClinVar variation 467536 (VCV000467536.8), dbSNP rs754325718, ClinGen allele CA1989199.